The following is an entry in ClinVar:

ClinVar aggregate classification (germline): Likely pathogenic (1 of 4 stars; one submission).

Conditions:
Fetal anomalies with a likely genetic cause.

gnomAD v4.1: 4 of 1,562,724 alleles (0.00026%); highest among the groups gnomAD compares: South Asian, 0.0012%; no homozygotes.

Submission:

Genetics Laboratory, Great Ormond Street Hospital NHS Foundation Trust, North Thames Genomic Laboratory Hub
Classification: Likely pathogenic for Fetal anomalies with a likely genetic cause. Last evaluated: 2026-09-25. Review status: criteria provided, single submitter. Criteria: ACGS Best Practice Guidelines for Variant Classification in Rare Disease 2024 v1.2. Collection method: clinical testing. Allele origin: germline. Affected: yes.
Comment: PM2_moderate, BP4_supporting

NM_001099409.3(EHBP1L1):c.989C>T (p.Ala330Val)

Gene: EHBP1L1 (EH domain binding protein 1 like 1; plus strand). Cytogenetic location: 11q13.1.
Variant type: single nucleotide variant.
Coding change: c.989C>T on transcript NM_001099409.3 (MANE Select); coding-DNA position 989, C replaced by T.
Protein change: p.Ala330Val; replaces alanine 330 with valine.
Molecular consequence: missense variant. On other transcripts: intron variant (1).
Genome position (GRCh38, 1-based): chr11:65,581,661, C>T. VCF-style: chr11-65581661-C-T. GRCh37 (hg19) VCF-style: chr11-65349132-C-T.
Other names: c.819+335C>T (NM_001351087.2); short protein forms A330V.
Identifiers: ClinVar variation 5043511 (VCV005043511.1).
Genomic context (GRCh38, chr11:65,581,661, plus strand): 5'-CTGATGCCCTCCGGCCCCCAGTCCCCCAGGGGGAAGATGAGGTCCCCAAAGCCTCAGGGG[C>T]TCCTCCAGCAGGATTGGGCTCTGCTAGGGAGACCCAGGCCCAGGCATGCCCTCAGGAAGG-3'
Protein context (NP_001092879.1, residues 320-340): GEDEVPKASG[Ala330Val]PPAGLGSARE